The following is an entry in ClinVar:

ClinVar aggregate classification (germline): Likely benign (1 of 4 stars; one submission).

Allele frequency attached by ClinVar (database versions not stated): TOPMed 0.00002; gnomAD exomes 0.00004; ExAC 0.00007; gnomAD 0.00007.
gnomAD v4.1: 71 of 1,612,608 alleles (0.0044%); highest among the groups gnomAD compares: East Asian, 0.045%; no homozygotes.

Submission:

CeGaT Center for Human Genetics Tuebingen
Classification: Likely benign. Last evaluated: 2025-02-01. Review status: criteria provided, single submitter. Criteria: CeGaT Center For Human Genetics Tuebingen Variant Classification Criteria Version 2. Collection method: clinical testing. Allele origin: germline. Affected: yes. Observed: 2 variant alleles.
Comment: ASH1L: BP4, BP7

NM_018489.3(ASH1L):c.4959C>T (p.Asn1653=)

Gene: ASH1L (ASH1 like histone lysine methyltransferase; minus strand). Cytogenetic location: 1q22.
Variant type: single nucleotide variant.
Coding change: c.4959C>T on transcript NM_018489.3 (MANE Select); coding-DNA position 4959, C replaced by T.
Protein change: p.Asn1653=; no amino-acid change (asparagine 1653 retained).
Molecular consequence: synonymous variant.
Genome position (GRCh38, 1-based): chr1:155,477,911, G>A on the plus strand (C>T on the coding strand, the complement: ASH1L is on the minus strand). VCF-style: chr1-155477911-G-A. GRCh37 (hg19) VCF-style: chr1-155447702-G-A.
Other names: c.4959C>T, p.Asn1653= (NM_001366177.2).
Identifiers: ClinVar variation 2639415 (VCV002639415.24), dbSNP rs777473734, ClinGen allele CA1146862.
Genomic context (GRCh38, chr1:155,477,911, plus strand): 5'-TTAACAAATAACAGGTAACAAAATAACCCTCTTACCTGCCAAAGTCTGTACTGCCCTTTC[G>A]TTAGAAGGCAGTGACTCCTTTCTGTGAAGCCGATTTAGTGAAGTGTCCTGTGCAGAAAAG-3'
Protein context (NP_060959.2, residues 1643-1663): RLHRKESLPS[Asn1653=]ERAVQTLAGS